The following is an entry in ClinVar:

NM_030662.4(MAP2K2):c.44A>C (p.Asn15Thr)

Genes: MAP2K2 (mitogen-activated protein kinase kinase 2; minus strand), LOC130063193 (ATAC-STARR-seq lymphoblastoid silent region 9881; plus strand). Cytogenetic location: 19p13.3.
Variant type: single nucleotide variant.
Coding change: c.44A>C on transcript NM_030662.4 (MANE Select); coding-DNA position 44, A replaced by C.
Protein change: p.Asn15Thr; replaces asparagine 15 with threonine.
Molecular consequence: missense variant.
Genome position (GRCh38, 1-based): chr19:4,123,832, T>G on the plus strand (A>C on the coding strand, the complement: MAP2K2 is on the minus strand). VCF-style: chr19-4123832-T-G. GRCh37 (hg19) VCF-style: chr19-4123829-T-G.
Other names: short protein forms N15T.
Identifiers: ClinVar variation 2450615 (VCV002450615.4), dbSNP rs1408360787, ClinGen allele CA403396010.
Genomic context (GRCh38, chr19:4,123,832, plus strand): 5'-CTGCCCACTCACTCGGAGGCGCCCTCGCTGGTAGGGGATGGGCCCTCGGCGATGGTAGGG[T>G]TGATGGTGAGCGCCGGCAGCACCGGCTTCCTCCGGGCCAGCATCGGGGCTCCGCGGGCCG-3'
Protein context (NP_109587.1, residues 5-25): RKPVLPALTI[Asn15Thr]PTIAEGPSPT

ClinVar aggregate classification (germline): Uncertain significance. Review status: criteria provided, multiple submitters, no conflicts (2 of 4 stars). 2 submissions from 2 submitters: Uncertain significance (2). Last evaluated 2024-04-30.

Conditions:
Cardiovascular phenotype. Identifiers: MedGen CN230736.
RASopathy. Also called: Noonan spectrum disorder; rasopathies. Identifiers: Orphanet 536391, MedGen C5555857, MONDO:0021060.

Allele frequency attached by ClinVar (database versions not stated): TOPMed below 0.00001; gnomAD 0.00001.

Submissions (2):

Labcorp Genetics (formerly Invitae), Labcorp
Classification: Uncertain significance for RASopathy. Last evaluated: 2024-04-30. Review status: criteria provided, single submitter. Criteria: Invitae Variant Classification Sherloc (09022015). Collection method: clinical testing. Allele origin: germline.
Comment: This sequence change replaces asparagine, which is neutral and polar, with threonine, which is neutral and polar, at codon 15 of the MAP2K2 protein (p.Asn15Thr). This variant is not present in population databases (gnomAD no frequency). This variant has not been reported in the literature in individuals affected with MAP2K2-related conditions. ClinVar contains an entry for this variant (Variation ID: 2450615). Advanced modeling of protein sequence and biophysical properties (such as structural, functional, and spatial information, amino acid conservation, physicochemical variation, residue mobility, and thermodynamic stability) performed at Invitae indicates that this missense variant is not expected to disrupt MAP2K2 protein function with a negative predictive value of 95%. In summary, the available evidence is currently insufficient to determine the role of this variant in disease. Therefore, it has been classified as a Variant of Uncertain Significance.

Ambry Genetics
Classification: Uncertain significance for Cardiovascular phenotype. Last evaluated: 2023-01-01. Review status: criteria provided, single submitter. Criteria: Ambry Variant Classification Scheme 2023. Collection method: clinical testing. Allele origin: germline.
Comment: The p.N15T variant (also known as c.44A>C), located in coding exon 1 of the MAP2K2 gene, results from an A to C substitution at nucleotide position 44. The asparagine at codon 15 is replaced by threonine, an amino acid with similar properties. This amino acid position is conserved. In addition, this alteration is predicted to be tolerated by in silico analysis. Since supporting evidence is limited at this time, the clinical significance of this alteration remains unclear.